The following is an entry in ClinVar:

ClinVar aggregate classification (germline): Uncertain significance (1 of 4 stars; one submission).

Conditions:
Singleton-Merten syndrome 1 (SGMRT1). Also called: Widened medullary cavities of bone, aortic calcification, abnormal dentition, and muscular weakness; Syndrome of widened medullary cavities of the metacarpals and phalanges, aortic calcification and abnormal dentition. Identifiers: Orphanet 85191, MedGen C4225427, MONDO:0024535, OMIM 182250.
Aicardi-Goutieres syndrome 7 (AGS7). Identifiers: Orphanet 51, MedGen C3888244, MONDO:0014367, OMIM 615846.

Allele frequency attached by ClinVar (database versions not stated): gnomAD 0.00001; gnomAD exomes 0.00001 and 0.00003; ExAC 0.00002; 1000 Genomes Project 30x 0.00016; 1000 Genomes Project 0.00020.
gnomAD v4.1: 47 of 1,608,234 alleles (0.0029%); highest among the groups gnomAD compares: East Asian, 0.098%; no homozygotes.

Submission:

Labcorp Genetics (formerly Invitae), Labcorp
Classification: Uncertain significance for Aicardi-Goutieres syndrome 7; Singleton-Merten syndrome 1. Last evaluated: 2022-07-06. Review status: criteria provided, single submitter. Criteria: Invitae Variant Classification Sherloc (09022015). Collection method: clinical testing. Allele origin: germline.
Comment: In summary, the available evidence is currently insufficient to determine the role of this variant in disease. Therefore, it has been classified as a Variant of Uncertain Significance. Algorithms developed to predict the effect of missense changes on protein structure and function are either unavailable or do not agree on the potential impact of this missense change (SIFT: "Deleterious"; PolyPhen-2: "Probably Damaging"; Align-GVGD: "Class C0"). ClinVar contains an entry for this variant (Variation ID: 1473806). This variant has not been reported in the literature in individuals affected with IFIH1-related conditions. This variant is present in population databases (rs527242746, gnomAD 0.006%). This sequence change replaces threonine, which is neutral and polar, with isoleucine, which is neutral and non-polar, at codon 672 of the IFIH1 protein (p.Thr672Ile).

NM_022168.4(IFIH1):c.2015C>T (p.Thr672Ile)

Gene: IFIH1 (interferon induced with helicase C domain 1; minus strand). Cytogenetic location: 2q24.2.
Variant type: single nucleotide variant.
Coding change: c.2015C>T on transcript NM_022168.4 (MANE Select); coding-DNA position 2015, C replaced by T.
Protein change: p.Thr672Ile; replaces threonine 672 with isoleucine.
Molecular consequence: missense variant.
Genome position (GRCh38, 1-based): chr2:162,277,444, G>A on the plus strand (C>T on the coding strand, the complement: IFIH1 is on the minus strand). VCF-style: chr2-162277444-G-A. GRCh37 (hg19) VCF-style: chr2-163133954-G-A.
Other names: short protein forms T672I.
Identifiers: ClinVar variation 1473806 (VCV001473806.8), dbSNP rs527242746, ClinGen allele CA1934332.
Genomic context (GRCh38, chr2:162,277,444, plus strand): 5'-TGACACCAGTATATGTTACTTTGAATCTTACCAAAAAATAAAGTCATGAGAAATCTATCT[G>A]TTTCATCCAGTTTCAAAGGTTTCTTTAAATCATCCTCATCTTCATCACCATCACAATACT-3'
Protein context (NP_071451.2, residues 662-682): DLKKPLKLDE[Thr672Ile]DRFLMTLFFE